The following is an entry in ClinVar:

NM_000551.4(VHL):c.340+668dup

Genes: VHL (von Hippel-Lindau tumor suppressor; plus strand), LOC107303340 (3p25 von Hippel-Lindau tumor suppressor, E3 ubiquitin protein ligase Alu-mediated recombination region; plus strand). Cytogenetic location: 3p25.3.
Variant type: Duplication.
Coding change: c.340+668dup on transcript NM_000551.4 (MANE Select); 668 bases into the intron after coding-DNA position 340, one base duplicated (A; older notation c.340+668dupA).
Molecular consequence: intron variant. On other transcripts: frameshift variant (1).
Genome position (GRCh38, 1-based): chr3:10,142,855, A duplicated; the last of 2 consecutive A bases (chr3:10,142,854-10,142,855); duplicating either gives the same sequence. VCF-style (leftmost placement, unchanged base first): chr3-10142853-G-GA. GRCh37 (hg19) VCF-style: chr3-10184537-G-GA.
Other names: c.433dup, p.Thr145fs (NM_001354723.2); c.340+668dup (NM_198156.3); short protein forms T145fs.
Identifiers: ClinVar variation 1402372 (VCV001402372.6), dbSNP rs2125125946, ClinGen allele CA2573136109.
Genomic context (GRCh38, chr3:10,142,853, plus strand): 5'-TAGTCCCTGCCCTCGTGGAGAACACATTCCTCCTGGGGAGACTGACAGATGCAAAGACAG[G>GA]AACAAGCCAGGGTCATGTTGGCGCCGGAAGAGCCGACCGTGTGTGGCGTGGGAAATTGAC-3'

ClinVar aggregate classification (germline): Uncertain significance (1 of 4 stars; one submission).

Conditions:
Chuvash polycythemia. Also called: POLYCYTHEMIA, VHL-DEPENDENT. Identifiers: Orphanet 238557, MedGen C1837915, MONDO:0009892, OMIM 263400.
Von Hippel-Lindau syndrome (VHLS). Also called: von Hippel–Lindau syndrome; Von Hippel-Lindau; VHL syndrome. Identifiers: Orphanet 892, MedGen C0019562, MONDO:0008667, OMIM 193300. Disease mechanism: loss of function.

Submission:

Labcorp Genetics (formerly Invitae), Labcorp
Classification: Uncertain significance for Von Hippel-Lindau syndrome; Chuvash polycythemia. Last evaluated: 2021-08-24. Review status: criteria provided, single submitter. Criteria: Invitae Variant Classification Sherloc (09022015). Collection method: clinical testing. Allele origin: germline.
Comment: This sequence change falls in intron 1 of the VHL gene. It is not expected to change the encoded amino acid sequence of the VHL protein. However, this sequence change falls within a cryptic exon in the VHL gene, known as exon E1’, which is naturally expressed at low levels in several human tissues (PMID: 29891534). The frequency data for this variant in the population databases is considered unreliable, as metrics indicate insufficient coverage at this position in the ExAC database. This variant has not been reported in the literature in individuals affected with VHL-related conditions. Experimental studies and prediction algorithms are not available or were not evaluated, and the functional significance of this variant is currently unknown. In summary, the available evidence is currently insufficient to determine the role of this variant in disease. Therefore, it has been classified as a Variant of Uncertain Significance.

Literature cited by the submitters: PubMed 29891534.